The following is an entry in ClinVar:

ClinVar aggregate classification (germline): Benign/Likely benign. Review status: criteria provided, multiple submitters, no conflicts (2 of 4 stars). 2 submissions from 2 submitters: Benign (1); Likely benign (1). Last evaluated 2026-06-01.

Allele frequency attached by ClinVar (database versions not stated): gnomAD exomes 0.00016; ExAC 0.00043; 1000 Genomes Project 30x 0.00109; 1000 Genomes Project 0.00120; gnomAD 0.00154; ESP Exome Variant Server 0.00169; TOPMed 0.00173.
gnomAD v4.1: 486 of 1,614,024 alleles (0.03%); highest among the groups gnomAD compares: African/African-American, 0.53%; 3 homozygotes.

Submissions (3):

CeGaT Center for Human Genetics Tuebingen
Classification: Likely benign. Last evaluated: 2026-06-01. Review status: criteria provided, single submitter. Criteria: CeGaT Center For Human Genetics Tuebingen Variant Classification Criteria Version 2. Collection method: clinical testing. Allele origin: germline. Affected: yes. Observed: 1 variant allele.
Comment: COPB2: BP4, BP7

Labcorp Genetics (formerly Invitae), Labcorp
Classification: Benign. Last evaluated: 2026-01-19. Review status: criteria provided, single submitter. Criteria: Invitae Variant Classification Sherloc (09022015). Collection method: clinical testing. Allele origin: germline.

Dr. Peter K. Rogan Lab, Western University
No classification provided (evidence only). Condition: Colon adenocarcinoma. Review status: no classification provided. Collection method: in vitro. Allele origin: not applicable. Functional consequence: retained intron. Not counted in ClinVar's aggregate classification.

NM_004766.3(COPB2):c.1845A>G (p.Lys615=)

Gene: COPB2 (coat protein complex I subunit beta 2; minus strand). Cytogenetic location: 3q23.
Variant type: single nucleotide variant.
Coding change: c.1845A>G on transcript NM_004766.3 (MANE Select); coding-DNA position 1845, A replaced by G.
Protein change: p.Lys615=; no amino-acid change (lysine 615 retained).
Molecular consequence: synonymous variant. On other transcripts: non-coding transcript variant (1).
Genome position (GRCh38, 1-based): chr3:139,366,607, T>C on the plus strand (A>G on the coding strand, the complement: COPB2 is on the minus strand). VCF-style: chr3-139366607-T-C. GRCh37 (hg19) VCF-style: chr3-139085449-T-C.
Other names: c.1758A>G, p.Lys586= (NM_001410834.1).
Identifiers: ClinVar variation 2038924 (VCV002038924.7), dbSNP rs114080239, ClinGen allele CA2641188.